The following is an entry in ClinVar:

ClinVar aggregate classification (germline): Pathogenic. Review status: criteria provided, multiple submitters, no conflicts (2 of 4 stars). 2 submissions from 2 submitters: Pathogenic (2). Last evaluated 2025-04-04.

Conditions:
Hereditary cancer-predisposing syndrome. Also called: Neoplastic Syndromes, Hereditary; Tumor predisposition; Hereditary neoplastic syndrome; Hereditary Cancer Syndrome. Identifiers: Orphanet 140162, MedGen C0027672, MeSH D009386, MONDO:0015356.
Hereditary breast ovarian cancer syndrome. Also called: Hereditary breast and ovarian cancer syndrome; Hereditary breast and ovarian cancer; Hereditary breast and ovarian cancer syndrome (HBOC); Breast and ovarian cancer; Hereditary breast and/or ovarian cancer syndrome; BRCA1- and BRCA2-Associated Hereditary Breast and Ovarian Cancer. Identifiers: Orphanet 145, MedGen C0677776, MeSH D061325, MONDO:0003582. Disease mechanism: loss of function.

Submissions (2):

Ambry Genetics
Classification: Pathogenic for Hereditary cancer-predisposing syndrome. Last evaluated: 2025-04-04. Review status: criteria provided, single submitter. Criteria: Ambry Variant Classification Scheme 2023. Collection method: clinical testing. Allele origin: germline.
Comment: The c.4410dupA pathogenic mutation, located in coding exon 12 of the BRCA1 gene, results from a duplication of A at nucleotide position 4410, causing a translational frameshift with a predicted alternate stop codon (p.G1471Rfs*5). This variant is considered to be rare based on population cohorts in the Genome Aggregation Database (gnomAD). This alteration is expected to result in loss of function by premature protein truncation or nonsense-mediated mRNA decay. As such, this alteration is interpreted as a disease-causing mutation.

Labcorp Genetics (formerly Invitae), Labcorp
Classification: Pathogenic for Hereditary breast ovarian cancer syndrome. Last evaluated: 2021-04-16. Review status: criteria provided, single submitter. Criteria: Invitae Variant Classification Sherloc (09022015). Collection method: clinical testing. Allele origin: germline.
Comment: For these reasons, this variant has been classified as Pathogenic. This variant has not been reported in the literature in individuals with BRCA1-related conditions. ClinVar contains an entry for this variant (Variation ID: 824872). This variant is not present in population databases (ExAC no frequency). This sequence change creates a premature translational stop signal (p.Gly1471Argfs*5) in the BRCA1 gene. It is expected to result in an absent or disrupted protein product. Loss-of-function variants in BRCA1 are known to be pathogenic (PMID: 20104584).

Literature cited by the submitters: PubMed 20104584 (cited by Labcorp Genetics (formerly Invitae), Labcorp).

NM_007294.4(BRCA1):c.4410dup (p.Gly1471fs)

Gene: BRCA1 (BRCA1 DNA repair associated; minus strand). Cytogenetic location: 17q21.31.
Variant type: Duplication.
Coding change: c.4410dup on transcript NM_007294.4 (MANE Select); coding-DNA position 4410, one base duplicated (A; older notation c.4410dupA).
Protein change: p.Gly1471fs; shifts the reading frame from glycine 1471.
Molecular consequence: frameshift variant. On other transcripts: non-coding transcript variant (1).
Genome position (GRCh38, 1-based): chr17:43,076,562, T duplicated on the plus strand (A on the coding strand, the reverse complement: BRCA1 is on the minus strand); the first of 2 consecutive T bases (chr17:43,076,562-43,076,563); duplicating either gives the same sequence. VCF-style (leftmost placement, unchanged base first): chr17-43076561-C-CT. GRCh37 (hg19) VCF-style: chr17-41228578-C-CT.
Other names: c.4410dupA (NM_007294.3); c.4196dup, p.Gly1400Argfs (NM_001407908.1, NM_001407909.1, NM_001407910.1 and 12 more transcripts); c.4193dup, p.Gly1399Argfs (NM_001407915.1, NM_001407916.1, NM_001407917.1 and 1 more transcripts); c.4286dup, p.Gly1430Argfs (NM_001407919.1, NM_001407937.1, NM_001407938.1 and 6 more transcripts); c.4145dup, p.Gly1383Argfs (NM_001407920.1, NM_001407921.1, NM_001407922.1 and 4 more transcripts); c.4142dup, p.Gly1382Argfs (NM_001407927.1, NM_001407928.1, NM_001407929.1 and 4 more transcripts); c.4139dup, p.Gly1381Argfs (NM_001407934.1, NM_001407935.1, NM_001407936.1); c.4283dup, p.Gly1429Argfs (NM_001407939.1, NM_001407940.1, NM_001407670.1 and 11 more transcripts); and 72 more; short protein forms G1471fs, G1492fs, G367fs, G1424fs.
Identifiers: ClinVar variation 824872 (VCV000824872.12), dbSNP rs1597839379, ClinGen allele CA915950045.